The following is an entry in ClinVar:

NM_000260.4(MYO7A):c.733C>T (p.Gln245Ter)

Gene: MYO7A (myosin VIIA; plus strand). Cytogenetic location: 11q13.5.
Variant type: single nucleotide variant.
Coding change: c.733C>T on transcript NM_000260.4 (MANE Select); coding-DNA position 733, C replaced by T.
Protein change: p.Gln245Ter; replaces glutamine 245 with a stop codon.
Molecular consequence: nonsense.
Genome position (GRCh38, 1-based): chr11:77,157,002, C>T. VCF-style: chr11-77157002-C-T. GRCh37 (hg19) VCF-style: chr11-76868048-C-T.
Other names: c.733C>T, p.Gln245Ter (NM_001127180.2); c.700C>T, p.Gln234Ter (NM_001369365.1); short protein forms Q234*, Q245*.
Identifiers: ClinVar variation 1073929 (VCV001073929.10), dbSNP rs1555063281, ClinGen allele CA381932314.
Genomic context (GRCh38, chr11:77,157,002, plus strand): 5'-GGCGCCATCGAGGGCGCGAAGATTGAGCAGTACCTGCTGGAAAAGTCACGTGTCTGTCGC[C>T]AGGTGGGCCTGAGCCCCAGGGATGCAGGAATAGACCCAGGCCCCTGGCCTCAGGGGTCTG-3'

ClinVar aggregate classification (germline): Pathogenic. Review status: criteria provided, multiple submitters, no conflicts (2 of 4 stars). 3 submissions from 3 submitters: Pathogenic (3). Last evaluated 2024-08-12.

Conditions:
Usher syndrome type 1 (USH1). Also called: RETINITIS PIGMENTOSA AND CONGENITAL DEAFNESS. Identifiers: Orphanet 231169, Orphanet 886, MedGen C1568247, MONDO:0010168, OMIM 276900.
Nonsyndromic genetic hearing loss. Also called: Non-syndromic genetic deafness; Nonsyndromic genetic deafness; Nonsyndromic hearing loss and deafness. Identifiers: Orphanet 87884, MedGen C5680182, MONDO:0019497.

Allele frequency attached by ClinVar (database versions not stated): gnomAD exomes below 0.00001.

Submissions (3):

Labcorp Genetics (formerly Invitae), Labcorp
Classification: Pathogenic. Last evaluated: 2024-08-12. Review status: criteria provided, single submitter. Criteria: Invitae Variant Classification Sherloc (09022015). Collection method: clinical testing. Allele origin: germline.
Comment: This sequence change creates a premature translational stop signal (p.Gln245*) in the MYO7A gene. It is expected to result in an absent or disrupted protein product. Loss-of-function variants in MYO7A are known to be pathogenic (PMID: 8900236, 25404053). This variant is present in population databases (no rsID available, gnomAD 0.0009%). This variant has not been reported in the literature in individuals affected with MYO7A-related conditions. ClinVar contains an entry for this variant (Variation ID: 1073929). For these reasons, this variant has been classified as Pathogenic.

Myriad Genetics, Inc.
Classification: Pathogenic for Usher syndrome type 1. Last evaluated: 2024-05-08. Review status: criteria provided, single submitter. Criteria: Myriad Autosomal Dominant, Autosomal Recessive and X-Linked Classification Criteria (2023). Collection method: clinical testing. Allele origin: unknown.
Comment: NM_000260.3(MYO7A):c.733C>T(Q245*) is expected to be pathogenic in the context of MYO7A-related disorders. This variant is predicted to lead to an abnormal or absent protein product due to the creation of a premature termination codon in MYO7A, a gene where loss-of-function variants are known to be pathogenic. Please note: this variant was assessed in the context of healthy population screening.

INGEBI, INGEBI / CONICET
Classification: Pathogenic for Nonsyndromic genetic hearing loss. Last evaluated: 2021-07-15. Review status: criteria provided, single submitter. Criteria: ClinGen HL ACMG Specifications v1. Collection method: clinical testing. Allele origin: germline. Inheritance: Autosomal recessive inheritance. Affected: yes. Observed: 1 variant allele, 1 compound heterozygote.
Comment: Based on ACMG/AMP guidelines and Hearing Loss Expert Panel specific criteria: The c.733C>T variant has been detected in 1/112496 alleles (singleton) in european non-finnish population in gnomad database meeting PM2. The c.733C>T (p.Gln245*) variant in MYO7A gene is predicted to cause a premature stop codon in biologically-relevant-exon 7/49 that leads to a truncated or absent protein in a gene in which loss-of-function is an established mechanism, NMD is predcited to occur, (PVS1). The variant is absent in population databases meeting PM2). Taking all together :PVS1, PM2, PM3: c.733C>T is classified as Pathogenic.

Literature cited by the submitters: PubMed 8900236 (cited by Labcorp Genetics (formerly Invitae), Labcorp); PubMed 25404053 (cited by Labcorp Genetics (formerly Invitae), Labcorp).